The following is an entry in ClinVar:

NM_138694.4(PKHD1):c.3735G>A (p.Ala1245=)

Gene: PKHD1 (PKHD1 ciliary IPT domain containing fibrocystin/polyductin; minus strand). Cytogenetic location: 6p12.2.
Variant type: single nucleotide variant.
Coding change: c.3735G>A on transcript NM_138694.4 (MANE Select); coding-DNA position 3735, G replaced by A.
Protein change: p.Ala1245=; no amino-acid change (alanine 1245 retained).
Molecular consequence: synonymous variant.
Genome position (GRCh38, 1-based): chr6:52,026,075, C>T on the plus strand (G>A on the coding strand, the complement: PKHD1 is on the minus strand). VCF-style: chr6-52026075-C-T. GRCh37 (hg19) VCF-style: chr6-51890873-C-T.
Other names: c.3735G>A, p.Ala1245= (NM_170724.3); c.3735G>A (NM_138694.3).
Identifiers: ClinVar variation 1119709 (VCV001119709.11), dbSNP rs150985194, ClinGen allele CA3852851.

ClinVar aggregate classification (germline): Likely benign. Review status: criteria provided, multiple submitters, no conflicts (2 of 4 stars). 3 submissions from 3 submitters: Likely benign (3). Last evaluated 2025-06-05.

Conditions:
PKHD1-related disorder. Also called: PKHD1-related condition.
Polycystic kidney disease 4 (PKD4). Also called: Autosomal Recessive Polycystic Kidney Disease – PKHD1; PKD3; POLYCYSTIC KIDNEY AND HEPATIC DISEASE 1; POLYCYSTIC KIDNEY DISEASE, INFANTILE, TYPE I; POLYCYSTIC KIDNEY DISEASE 4 WITH OR WITHOUT POLYCYSTIC LIVER DISEASE. Identifiers: MedGen C4540575, MONDO:0033004, OMIM 263200.
Autosomal recessive polycystic kidney disease (ARPKD). Also called: AR polycystic kidney disease. Identifiers: Orphanet 731, Orphanet 8378, MedGen C0085548, MeSH D017044, MONDO:0009889.

Allele frequency attached by ClinVar (database versions not stated): gnomAD 0.00001; TOPMed 0.00002; ExAC 0.00003; ESP Exome Variant Server 0.00015.
gnomAD v4.1: 30 of 1,614,008 alleles (0.0019%); highest among the groups gnomAD compares: East Asian, 0.0045%; no homozygotes.

Submissions (3):

PreventionGenetics, part of Exact Sciences
Classification: Likely benign for PKHD1-related condition. Last evaluated: 2025-06-05. Review status: criteria provided, single submitter. Criteria: ACMG Guidelines, 2015. Collection method: clinical testing. Allele origin: germline.
Comment: This variant is classified as likely benign based on ACMG/AMP sequence variant interpretation guidelines (Richards et al. 2015 PMID: 25741868, with internal and published modifications).

Labcorp Genetics (formerly Invitae), Labcorp
Classification: Likely benign for Autosomal recessive polycystic kidney disease. Last evaluated: 2024-01-10. Review status: criteria provided, single submitter. Criteria: Invitae Variant Classification Sherloc (09022015). Collection method: clinical testing. Allele origin: germline.

Fulgent Genetics
Classification: Likely benign for Polycystic kidney disease 4. Last evaluated: 2021-10-26. Review status: criteria provided, single submitter. Criteria: ACMG Guidelines, 2015. Collection method: clinical testing. Allele origin: unknown.